The following is an entry in ClinVar:

ClinVar aggregate classification (germline): Uncertain significance. Review status: criteria provided, multiple submitters, no conflicts (2 of 4 stars). 2 submissions from 2 submitters: Uncertain significance (2). Last evaluated 2025-11-11.

Conditions:
FAT1-related disorder. Also called: FAT1-related condition.
Inborn genetic diseases. Identifiers: MedGen C0950123, MeSH D030342.

Allele frequency attached by ClinVar (database versions not stated): gnomAD 0.00001; gnomAD exomes 0.00001.
gnomAD v4.1: 5 of 1,562,250 alleles (0.00032%); highest among the groups gnomAD compares: Non-Finnish European, 0.00034%; no homozygotes.

Submissions (2):

Ambry Genetics
Classification: Uncertain significance for Inborn genetic diseases. Last evaluated: 2025-11-11. Review status: criteria provided, single submitter. Criteria: Ambry Variant Classification Scheme 2023. Collection method: clinical testing. Allele origin: germline.

PreventionGenetics, part of Exact Sciences
Classification: Uncertain significance for FAT1-related condition. Last evaluated: 2022-09-14. Review status: criteria provided, single submitter. Criteria: ACMG Guidelines, 2015. Collection method: clinical testing. Allele origin: germline.
Comment: The FAT1 c.9091A>G variant is predicted to result in the amino acid substitution p.Thr3031Ala. To our knowledge, this variant has not been reported in the literature. This variant is reported in 0.0017% of alleles in individuals of European (Non-Finnish) descent in gnomAD. At this time, the clinical significance of this variant is uncertain due to the absence of conclusive functional and genetic evidence.

NM_005245.4(FAT1):c.9091A>G (p.Thr3031Ala)

Gene: FAT1 (FAT atypical cadherin 1; minus strand). Cytogenetic location: 4q35.2.
Variant type: single nucleotide variant.
Coding change: c.9091A>G on transcript NM_005245.4 (MANE Select); coding-DNA position 9091, A replaced by G.
Protein change: p.Thr3031Ala; replaces threonine 3031 with alanine.
Molecular consequence: missense variant.
Genome position (GRCh38, 1-based): chr4:186,614,329, T>C on the plus strand (A>G on the coding strand, the complement: FAT1 is on the minus strand). VCF-style: chr4-186614329-T-C. GRCh37 (hg19) VCF-style: chr4-187535483-T-C.
Other names: short protein forms T3031A.
Identifiers: ClinVar variation 2637122 (VCV002637122.2), dbSNP rs1480963098, ClinGen allele CA358957741.